The following is an entry in ClinVar:

NM_052947.4(ALPK2):c.4937C>T (p.Ser1646Phe)

Gene: ALPK2 (alpha kinase 2; minus strand). Cytogenetic location: 18q21.31.
Variant type: single nucleotide variant.
Coding change: c.4937C>T on transcript NM_052947.4 (MANE Select); coding-DNA position 4937, C replaced by T.
Protein change: p.Ser1646Phe; replaces serine 1646 with phenylalanine.
Molecular consequence: missense variant.
Genome position (GRCh38, 1-based): chr18:58,535,250, G>A on the plus strand (C>T on the coding strand, the complement: ALPK2 is on the minus strand). VCF-style: chr18-58535250-G-A. GRCh37 (hg19) VCF-style: chr18-56202482-G-A.
Other names: short protein forms S1646F.
Identifiers: ClinVar variation 1744234 (VCV001744234.2), dbSNP rs1274562539, ClinGen allele CA402559212.

ClinVar aggregate classification (germline): Uncertain significance (1 of 4 stars; one submission).

Allele frequency attached by ClinVar (database versions not stated): gnomAD exomes 0.00001.
gnomAD v4.1: 10 of 1,614,150 alleles (0.00062%); highest among the groups gnomAD compares: Non-Finnish European, 0.00076%; no homozygotes.

Submission:

Ambry Genetics
Classification: Uncertain significance. Last evaluated: 2023-10-06. Review status: criteria provided, single submitter. Criteria: Ambry Variant Classification Scheme 2023. Collection method: clinical testing. Allele origin: germline.
Comment: The p.S1646F variant (also known as c.4937C>T), located in coding exon 4 of the ALPK2 gene, results from a C to T substitution at nucleotide position 4937. The serine at codon 1646 is replaced by phenylalanine, an amino acid with highly dissimilar properties. This amino acid position is conserved. In addition, this alteration is predicted to be tolerated by in silico analysis. Since supporting evidence is limited at this time, the clinical significance of this alteration remains unclear.